The following is an entry in ClinVar:

ClinVar aggregate classification (germline): Conflicting classifications of pathogenicity. Review status: criteria provided, conflicting classifications (1 of 4 stars). 5 submissions from 5 submitters: Likely pathogenic (1); Uncertain significance (3); Benign (1). Last evaluated 2026-06-25.

Conditions:
COL1A1-related disorder. Also called: COL1A1-related condition; COL1A1- related disease.
Cardiovascular phenotype. Identifiers: MedGen CN230736.
Ehlers-Danlos syndrome, arthrochalasia type. Also called: Ehlers-Danlos syndrome, arthrochalasis type; Ehlers-Danlos syndrome, arthrochalasia type, 1; ARTHROCHALASIS MULTIPLEX CONGENITA; EDS VII, MUTANT PROCOLLAGEN TYPE; EDS VIIA. Identifiers: Orphanet 1899, Orphanet 99875, Orphanet 99876, MedGen C4551623, MONDO:0007525, OMIM 130060.
Osteogenesis imperfecta type I (OI1). Also called: Lobstein disease; Lobstein's Disease; OI, TYPE I; OSTEOGENESIS IMPERFECTA TARDA; OSTEOGENESIS IMPERFECTA WITH BLUE SCLERAE; Osteogenesis imperfecta type 1. Identifiers: Orphanet 216796, Orphanet 666, MedGen C0023931, MONDO:0008146, OMIM 166200. Disease mechanism: loss of function.
Osteogenesis imperfecta (OI). Identifiers: Orphanet 666, MedGen C0029434, MeSH D010013, MONDO:0019019.

Allele frequency attached by ClinVar (database versions not stated): ExAC 0.00003; gnomAD 0.00011 and 0.00009; gnomAD exomes 0.00001 and 0.00002; ESP Exome Variant Server 0.00008; TOPMed 0.00010.
gnomAD v4.1: 30 of 1,609,956 alleles (0.0019%); highest among the groups gnomAD compares: Admixed American, 0.017%; no homozygotes.

Submissions (5):

PreventionGenetics, part of Exact Sciences
Classification: Uncertain significance for COL1A1-related condition. Last evaluated: 2026-06-25. Review status: criteria provided, single submitter. Criteria: ACMG Guidelines, 2015. Collection method: clinical testing. Allele origin: germline.
Comment: The COL1A1 c.2594G>A variant is predicted to result in the amino acid substitution p.Arg865His. To our knowledge, this variant has not been reported in the literature in a patient with a COL1A1 related disorder. This variant is reported in 0.020% of alleles in individuals of African descent in gnomAD. Although we suspect that this variant may be benign, at this time, the clinical significance of this variant is uncertain due to the absence of conclusive functional and genetic evidence.

Labcorp Genetics (formerly Invitae), Labcorp
Classification: Benign for Osteogenesis imperfecta type I. Last evaluated: 2025-11-17. Review status: criteria provided, single submitter. Criteria: Invitae Variant Classification Sherloc (09022015). Collection method: clinical testing. Allele origin: germline.

Ambry Genetics
Classification: Uncertain significance for Cardiovascular phenotype. Last evaluated: 2023-11-17. Review status: criteria provided, single submitter. Criteria: Ambry Variant Classification Scheme 2023. Collection method: clinical testing. Allele origin: germline.
Comment: The p.R865H variant (also known as c.2594G>A), located in coding exon 37 of the COL1A1 gene, results from a G to A substitution at nucleotide position 2594. The arginine at codon 865 is replaced by histidine, an amino acid with highly similar properties. This amino acid position is highly conserved in available vertebrate species. In addition, this alteration is predicted to be deleterious by in silico analysis. Since supporting evidence is limited at this time, the clinical significance of this alteration remains unclear.

Laboratorio de Genetica e Diagnostico Molecular, Hospital Israelita Albert Einstein
Classification: Uncertain significance for Ehlers-Danlos syndrome, arthrochalasia type. Last evaluated: 2022-12-17. Review status: criteria provided, single submitter. Criteria: ACMG Guidelines, 2015. Collection method: clinical testing. Allele origin: germline. Affected: yes. Observed: 1 variant allele.
Comment: ACMG classification criteria: PP2 supporting, PP3 supporting

Women's Health and Genetics/Laboratory Corporation of America, LabCorp
Classification: Likely pathogenic for Osteogenesis Imperfecta. Last evaluated: 2011-08-18. Review status: criteria provided, single submitter. Criteria: LabCorp Variant Classification Summary - May 2015. Collection method: curation, clinical testing. Allele origin: germline. Inheritance: autosomal unknown. Affected: yes.
ClinVar note: Converted during submission from likely pathogenic to Likely pathogenic.

NM_000088.4(COL1A1):c.2594G>A (p.Arg865His)

Gene: COL1A1 (collagen type I alpha 1 chain; minus strand). Cytogenetic location: 17q21.33.
Variant type: single nucleotide variant.
Coding change: c.2594G>A on transcript NM_000088.4 (MANE Select); coding-DNA position 2594, G replaced by A.
Protein change: p.Arg865His; replaces arginine 865 with histidine.
Molecular consequence: missense variant.
Genome position (GRCh38, 1-based): chr17:50,189,878, C>T on the plus strand (G>A on the coding strand, the complement: COL1A1 is on the minus strand). VCF-style: chr17-50189878-C-T. GRCh37 (hg19) VCF-style: chr17-48267239-C-T.
Other names: short protein forms R865H.
Identifiers: ClinVar variation 35914 (VCV000035914.16), dbSNP rs193922150, ClinGen allele CA260298.